The following is an entry in ClinVar:

ClinVar aggregate classification (germline): Likely benign (1 of 4 stars; one submission).

Conditions:
CREBBP-related disorder. Also called: CREBBP-related condition; CREBBP-related disorders.

gnomAD v4.1: 2 of 1,614,066 alleles (0.00012%); highest among the groups gnomAD compares: Middle Eastern, 0.016%; no homozygotes.

Submission:

PreventionGenetics, part of Exact Sciences
Classification: Likely benign for CREBBP-related condition. Last evaluated: 2025-06-09. Review status: criteria provided, single submitter. Criteria: ACMG Guidelines, 2015. Collection method: clinical testing. Allele origin: germline.
Comment: This variant is classified as likely benign based on ACMG/AMP sequence variant interpretation guidelines (Richards et al. 2015 PMID: 25741868, with internal and published modifications).

NM_004380.3(CREBBP):c.282C>G (p.Pro94=)

Gene: CREBBP (CREB binding lysine acetyltransferase; minus strand). Cytogenetic location: 16p13.3.
Variant type: single nucleotide variant.
Coding change: c.282C>G on transcript NM_004380.3 (MANE Select); coding-DNA position 282, C replaced by G.
Protein change: p.Pro94=; no amino-acid change (proline 94 retained).
Molecular consequence: synonymous variant.
Genome position (GRCh38, 1-based): chr16:3,850,813, G>C on the plus strand (C>G on the coding strand, the complement: CREBBP is on the minus strand). VCF-style: chr16-3850813-G-C. GRCh37 (hg19) VCF-style: chr16-3900814-G-C.
Other names: c.282C>G, p.Pro94= (NM_001079846.1).
Identifiers: ClinVar variation 4999641 (VCV004999641.1).